The following is an entry in ClinVar:

NM_024105.4(ALG12):c.1451_1459del (p.Leu484_Arg486del)

Gene: ALG12 (ALG12 alpha-1,6-mannosyltransferase; minus strand). Cytogenetic location: 22q13.33.
Variant type: Deletion.
Coding change: c.1451_1459del on transcript NM_024105.4 (MANE Select); coding-DNA positions 1451 to 1459, 9 bases deleted (TCCCCCGGC; older notation c.1451_1459delTCCCCCGGC).
Protein change: p.Leu484_Arg486del.
Molecular consequence: inframe deletion.
Genome position (GRCh38, 1-based): chr22:49,903,846-49,903,854, GCCGGGGGA deleted on the plus strand (TCCCCCGGC on the coding strand, the reverse complement: ALG12 is on the minus strand); deleting any 9 consecutive bases within chr22:49,903,846-49,903,857 gives the same sequence; the c. name uses the placement nearest the transcript's 3' end. VCF-style (leftmost placement, unchanged base first): chr22-49903845-GGCCGGGGGA-G. GRCh37 (hg19) VCF-style: chr22-50297493-GGCCGGGGGA-G.
Identifiers: ClinVar variation 2044556 (VCV002044556.4), dbSNP rs1273041562, ClinGen allele CA754000020.

ClinVar aggregate classification (germline): Uncertain significance (1 of 4 stars; one submission).

Conditions:
ALG12-congenital disorder of glycosylation (CDG1G). Also called: Congenital disorder of glycosylation, type Ig; ALG12-CDG; CDG Ig. Identifiers: Orphanet 79324, MedGen C2931001, MONDO:0011783, OMIM 607143.

Submission:

Labcorp Genetics (formerly Invitae), Labcorp
Classification: Uncertain significance for ALG12-congenital disorder of glycosylation. Last evaluated: 2022-06-14. Review status: criteria provided, single submitter. Criteria: Invitae Variant Classification Sherloc (09022015). Collection method: clinical testing. Allele origin: germline.
Comment: In summary, the available evidence is currently insufficient to determine the role of this variant in disease. Therefore, it has been classified as a Variant of Uncertain Significance. Experimental studies and prediction algorithms are not available or were not evaluated, and the functional significance of this variant is currently unknown. This variant has not been reported in the literature in individuals affected with ALG12-related conditions. This variant is not present in population databases (gnomAD no frequency). This variant, c.1451_1459del, results in the deletion of 3 amino acid(s) of the ALG12 protein (p.Leu484_Arg486del), but otherwise preserves the integrity of the reading frame.